The following is an entry in ClinVar:

NM_052947.4(ALPK2):c.6459C>G (p.Asn2153Lys)

Gene: ALPK2 (alpha kinase 2; minus strand). Cytogenetic location: 18q21.31.
Variant type: single nucleotide variant.
Coding change: c.6459C>G on transcript NM_052947.4 (MANE Select); coding-DNA position 6459, C replaced by G.
Protein change: p.Asn2153Lys; replaces asparagine 2153 with lysine.
Molecular consequence: missense variant.
Genome position (GRCh38, 1-based): chr18:58,481,877, G>C on the plus strand (C>G on the coding strand, the complement: ALPK2 is on the minus strand). VCF-style: chr18-58481877-G-C. GRCh37 (hg19) VCF-style: chr18-56149109-G-C.
Other names: short protein forms N2153K.
Identifiers: ClinVar variation 1753633 (VCV001753633.2), dbSNP rs61743671, ClinGen allele CA402538344.
Genomic context (GRCh38, chr18:58,481,877, plus strand): 5'-GGGACGTTAGGTTTTCTTTTCGCCTGGGGTCTCAGGCCCTGCCTTCTTTATTGTCATAGA[G>C]TTTGTTTGAACTTTGCTTTTCCCAATGCTCGGCTGCTTCTGTTTCTGGTTGTTGTTTTGA-3'
Protein context (NP_443179.3, residues 2143-2163): PSIGKSKVQT[Asn2153Lys]SMTIKKAGPE

ClinVar aggregate classification (germline): Uncertain significance (1 of 4 stars; one submission).

Submission:

Ambry Genetics
Classification: Uncertain significance. Last evaluated: 2021-07-26. Review status: criteria provided, single submitter. Criteria: Ambry Variant Classification Scheme 2023. Collection method: clinical testing. Allele origin: germline.
Comment: The p.N2153K variant (also known as c.6459C>G), located in coding exon 12 of the ALPK2 gene, results from a C to G substitution at nucleotide position 6459. The asparagine at codon 2153 is replaced by lysine, an amino acid with similar properties. This amino acid position is conserved. In addition, this alteration is predicted to be tolerated by in silico analysis. Since supporting evidence is limited at this time, the clinical significance of this alteration remains unclear.